The following is an entry in ClinVar:

NM_006031.6(PCNT):c.4162C>T (p.Arg1388Cys)

Gene: PCNT (pericentrin; plus strand). Cytogenetic location: 21q22.3.
Variant type: single nucleotide variant.
Coding change: c.4162C>T on transcript NM_006031.6 (MANE Select); coding-DNA position 4162, C replaced by T.
Protein change: p.Arg1388Cys; replaces arginine 1388 with cysteine.
Molecular consequence: missense variant.
Genome position (GRCh38, 1-based): chr21:46,391,322, C>T. VCF-style: chr21-46391322-C-T. GRCh37 (hg19) VCF-style: chr21-47811237-C-T.
Other names: c.3808C>T, p.Arg1270Cys (NM_001315529.2); short protein forms R1270C, R1388C.
Identifiers: ClinVar variation 3210367 (VCV003210367.2), dbSNP rs1382114528, ClinGen allele CA410577156.
Genomic context (GRCh38, chr21:46,391,322, plus strand): 5'-CTGAGACGGCAGCTGCAGCAGGCGGCCCAGGAGCAGGCGGCGCTGAGGGAGGAGTGCACC[C>T]GTCTGTGGAGTCGGGGGGAGGCCACAGCCACGGACGCCGAGGCCAGAGAAGCTGGTAAGG-3'
Protein context (NP_006022.3, residues 1378-1398): EQAALREECT[Arg1388Cys]LWSRGEATAT

ClinVar aggregate classification (germline): Uncertain significance. Review status: criteria provided, single submitter (1 of 4 stars). 2 submissions from 2 submitters: Uncertain significance (1). 1 of the submissions does not count toward it. Last evaluated 2023-11-29.

Conditions:
Inborn genetic diseases. Identifiers: MedGen C0950123, MeSH D030342.
PCNT-related disorder. Also called: PCNT-related condition.

Allele frequency attached by ClinVar (database versions not stated): gnomAD 0.00002; TOPMed 0.00005.
gnomAD v4.1: 24 of 1,562,176 alleles (0.0015%); highest among the groups gnomAD compares: East Asian, 0.0095%; no homozygotes.

Submissions (2):

Ambry Genetics
Classification: Uncertain significance for Inborn genetic diseases. Last evaluated: 2023-11-29. Review status: criteria provided, single submitter. Criteria: Ambry Variant Classification Scheme 2023. Collection method: clinical testing. Allele origin: germline.

PreventionGenetics, part of Exact Sciences
Classification: Uncertain significance for PCNT-related condition. Last evaluated: 2024-02-15. Review status: no assertion criteria provided. Collection method: clinical testing. Allele origin: germline. Not counted in ClinVar's aggregate classification.
Comment: The PCNT c.4162C>T variant is predicted to result in the amino acid substitution p.Arg1388Cys. To our knowledge, this variant has not been reported in the literature. This variant is reported in 0.0015% of alleles in individuals of European (Non-Finnish) descent in gnomAD. At this time, the clinical significance of this variant is uncertain due to the absence of conclusive functional and genetic evidence.